The following is an entry in ClinVar:

NM_000094.4(COL7A1):c.4967A>C (p.Glu1656Ala)

Gene: COL7A1 (collagen type VII alpha 1 chain; minus strand). Cytogenetic location: 3p21.31.
Variant type: single nucleotide variant.
Coding change: c.4967A>C on transcript NM_000094.4 (MANE Select); coding-DNA position 4967, A replaced by C.
Protein change: p.Glu1656Ala; replaces glutamic acid 1656 with alanine.
Molecular consequence: missense variant.
Genome position (GRCh38, 1-based): chr3:48,580,895, T>G on the plus strand (A>C on the coding strand, the complement: COL7A1 is on the minus strand). VCF-style: chr3-48580895-T-G. GRCh37 (hg19) VCF-style: chr3-48618328-T-G.
Other names: short protein forms E1656A.
Identifiers: ClinVar variation 2905638 (VCV002905638.4), dbSNP rs772564191, ClinGen allele CA2379750.

ClinVar aggregate classification (germline): Uncertain significance. Review status: criteria provided, multiple submitters, no conflicts (2 of 4 stars). 2 submissions from 2 submitters: Uncertain significance (2). Last evaluated 2025-02-06.

Conditions:
Inborn genetic diseases. Identifiers: MedGen C0950123, MeSH D030342.

Allele frequency attached by ClinVar (database versions not stated): ExAC 0.00001; gnomAD exomes 0.00001; TOPMed 0.00001; gnomAD 0.00002.
gnomAD v4.1: 6 of 1,613,864 alleles (0.00037%); highest among the groups gnomAD compares: African/African-American, 0.0013%; no homozygotes.

Submissions (2):

Ambry Genetics
Classification: Uncertain significance for Inborn genetic diseases. Last evaluated: 2025-02-06. Review status: criteria provided, single submitter. Criteria: Ambry Variant Classification Scheme 2023. Collection method: clinical testing. Allele origin: germline.

Labcorp Genetics (formerly Invitae), Labcorp
Classification: Uncertain significance. Last evaluated: 2022-11-15. Review status: criteria provided, single submitter. Criteria: Invitae Variant Classification Sherloc (09022015). Collection method: clinical testing. Allele origin: germline.
Comment: This sequence change replaces glutamic acid, which is acidic and polar, with alanine, which is neutral and non-polar, at codon 1656 of the COL7A1 protein (p.Glu1656Ala). This variant is present in population databases (rs772564191, gnomAD 0.007%). This variant has not been reported in the literature in individuals affected with COL7A1-related conditions. Advanced modeling of protein sequence and biophysical properties (such as structural, functional, and spatial information, amino acid conservation, physicochemical variation, residue mobility, and thermodynamic stability) has been performed at Invitae for this missense variant, however the output from this modeling did not meet the statistical confidence thresholds required to predict the impact of this variant on COL7A1 protein function. In summary, the available evidence is currently insufficient to determine the role of this variant in disease. Therefore, it has been classified as a Variant of Uncertain Significance.